The following is an entry in ClinVar:

NM_002473.6(MYH9):c.5574C>T (p.Ala1858=)

Gene: MYH9 (myosin heavy chain 9; minus strand). Cytogenetic location: 22q12.3.
Variant type: single nucleotide variant.
Coding change: c.5574C>T on transcript NM_002473.6 (MANE Select); coding-DNA position 5574, C replaced by T.
Protein change: p.Ala1858=; no amino-acid change (alanine 1858 retained).
Molecular consequence: synonymous variant.
Genome position (GRCh38, 1-based): chr22:36,284,421, G>A on the plus strand (C>T on the coding strand, the complement: MYH9 is on the minus strand). VCF-style: chr22-36284421-G-A. GRCh37 (hg19) VCF-style: chr22-36680467-G-A.
Identifiers: ClinVar variation 506254 (VCV000506254.4), dbSNP rs991435881, ClinGen allele CA323585217.
Genomic context (GRCh38, chr22:36,284,421, plus strand): 5'-CCAGCCCCGCTGCCCTTCTCACTGCCCCACCAGCGCCCACACCTGGTCCTTGTACTGCTC[G>A]GCGTTCCTCCGCTCGTCATCCACCTGCAGCAGCACATCCTTCAGCTTCTTCTCGGTCCGA-3'
Protein context (NP_002464.1, residues 1848-1868): LLQVDDERRN[Ala1858=]EQYKDQADKA

ClinVar aggregate classification (germline): Likely benign (1 of 4 stars; one submission).

Allele frequency attached by ClinVar (database versions not stated): gnomAD 0.00001; TOPMed 0.00001.
gnomAD v4.1: 22 of 1,612,788 alleles (0.0014%); highest among the groups gnomAD compares: Middle Eastern, 0.016%; no homozygotes.

Submission:

Laboratory for Molecular Medicine, Mass General Brigham Personalized Medicine
Classification: Likely benign. Last evaluated: 2018-01-30. Review status: criteria provided, single submitter. Criteria: LMM Criteria. Collection method: clinical testing. Allele origin: germline. Observed: 1 variant allele.
Comment: p.Ala1858Ala in exon 39 of MYH9: This variant is not expected to have clinical s ignificance because it does not alter an amino acid residue, is not located with in the splice consensus sequence and splice prediction algorithms do not predict a newly created splice site. It has been identified in 1/17248 East Asian chrom osomes by the Genome Aggregation Database (gnomAD. org; dbSNP rs991435881). ACMG/AMP Criteria applied: BP4; BP7.